The following is an entry in ClinVar:

ClinVar aggregate classification (germline): Uncertain significance. Review status: criteria provided, multiple submitters, no conflicts (2 of 4 stars). 2 submissions from 2 submitters: Uncertain significance (2). Last evaluated 2026-03-04.

Submissions (2):

GeneDx
Classification: Uncertain significance. Last evaluated: 2026-03-04. Review status: criteria provided, single submitter. Criteria: GeneDx Variant Classification Process June 2021. Collection method: clinical testing. Allele origin: germline.
Comment: Not observed at significant frequency in large population cohorts (gnomAD); In silico analysis suggests that this missense variant does not alter protein structure/function; Has not been previously published as pathogenic or benign to our knowledge

Revvity Omics, Revvity
Classification: Uncertain significance. Last evaluated: 2022-08-02. Review status: criteria provided, single submitter. Criteria: ACMG Guidelines, 2015. Collection method: clinical testing. Allele origin: germline.

NM_000083.3(CLCN1):c.1330G>A (p.Gly444Ser)

Gene: CLCN1 (chloride voltage-gated channel 1; plus strand). Cytogenetic location: 7q34.
Variant type: single nucleotide variant.
Coding change: c.1330G>A on transcript NM_000083.3 (MANE Select); coding-DNA position 1330, G replaced by A.
Protein change: p.Gly444Ser; replaces glycine 444 with serine.
Molecular consequence: missense variant.
Genome position (GRCh38, 1-based): chr7:143,332,802, G>A. VCF-style: chr7-143332802-G-A. GRCh37 (hg19) VCF-style: chr7-143029895-G-A.
Other names: c.1330G>A (NM_000083.2); short protein forms G444S.
Identifiers: ClinVar variation 2440118 (VCV002440118.4), dbSNP rs2487064995, ClinGen allele CA369644180.